The following is an entry in ClinVar:

ClinVar aggregate classification (germline): Likely pathogenic. Review status: criteria provided, single submitter (1 of 4 stars). 4 submissions from 3 submitters: Likely pathogenic (1). 3 of the submissions do not count toward it. Last evaluated 2023-03-13.

Conditions:
Asphyxiating thoracic dystrophy 3. Also called: SHORT-RIB THORACIC DYSPLASIA 3 WITH OR WITHOUT POLYDACTYLY; POLYDACTYLY WITH NEONATAL CHONDRODYSTROPHY, TYPE I; SHORT-RIB THORACIC DYSPLASIA 3/6 WITH POLYDACTYLY, DIGENIC; Short rib polydactyly syndrome 2B; Saldino-Noonan Syndrome. Identifiers: Orphanet 474, Orphanet 93269, Orphanet 93270, Orphanet 93271, MedGen C0036069, MONDO:0013127, OMIM 613091.

Allele frequency attached by ClinVar (database versions not stated): gnomAD exomes below 0.00001 and 0.00002; gnomAD 0.00001; TOPMed 0.00001.
gnomAD v4.1: 25 of 1,610,814 alleles (0.0016%); highest among the groups gnomAD compares: Non-Finnish European, 0.002%; no homozygotes.

Submissions (4):

GeneDx
Classification: Likely pathogenic. Last evaluated: 2023-03-13. Review status: criteria provided, single submitter. Criteria: GeneDx Variant Classification Process June 2021. Collection method: clinical testing. Allele origin: germline. Affected: yes.
Comment: Reported heterozygous with another variant in the DYNC2H1 gene, phase unknown, in an individual with a skeletal ciliopathy (Zhang et al., 2018) Zhang W et al. (2018) Hum Mutat 39 (1):152-166 (PMID: 29068549); Not observed at significant frequency in large population cohorts (gnomAD); In silico analysis supports that this missense variant has a deleterious effect on protein structure/function; This variant is associated with the following publications: (PMID: 29068549)

Dan Cohn Lab, University Of California Los Angeles
Classification: Pathogenic for Asphyxiating thoracic dystrophy 3. Last evaluated: 2017-06-01. Review status: no assertion criteria provided. Collection method: research. Allele origin: unknown. Affected: yes. Not counted in ClinVar's aggregate classification.

University of Washington Center for Mendelian Genomics, University of Washington
Classification: Likely pathogenic for Asphyxiating thoracic dystrophy 3. Review status: no assertion criteria provided. Collection method: research. Allele origin: inherited. Affected: yes. Not counted in ClinVar's aggregate classification.

Dan Cohn Lab, University Of California Los Angeles
Classification: Pathogenic for Asphyxiating thoracic dystrophy 3. Last evaluated: 2017-06-01. Review status: flagged submission. Collection method: research. Allele origin: unknown. Affected: yes. Not counted in ClinVar's aggregate classification.
ClinVar note: Reason: This record appears to be redundant with a more recent record from the same submitter.
ClinVar note: Notes: SCV000612001 appears to be redundant with SCV000612108.

Literature cited by the submitters: PubMed 29068549 (cited by Dan Cohn Lab, University Of California Los Angeles and University of Washington Center for Mendelian Genomics, University of Washington).

NM_001377.3(DYNC2H1):c.7984C>T (p.Arg2662Trp)

Gene: DYNC2H1 (dynein cytoplasmic 2 heavy chain 1; plus strand). Cytogenetic location: 11q22.3.
Variant type: single nucleotide variant.
Coding change: c.7984C>T on transcript NM_001377.3 (MANE Select); coding-DNA position 7984, C replaced by T.
Protein change: p.Arg2662Trp; replaces arginine 2662 with tryptophan.
Molecular consequence: missense variant.
Genome position (GRCh38, 1-based): chr11:103,199,372, C>T. VCF-style: chr11-103199372-C-T. GRCh37 (hg19) VCF-style: chr11-103070101-C-T.
Other names: c.7984C>T, p.Arg2662Trp (NM_001080463.2); short protein forms R2662W.
Identifiers: ClinVar variation 446601 (VCV000446601.5), dbSNP rs964711006, ClinGen allele CA227412235.